The following is an entry in ClinVar:

ClinVar aggregate classification (germline): Likely benign. Review status: criteria provided, multiple submitters, no conflicts (2 of 4 stars). 5 submissions from 5 submitters: Likely benign (5). Last evaluated 2026-01-10.

Conditions:
ALPK3-related disorder. Also called: ALPK3-related condition.
Cardiovascular phenotype. Identifiers: MedGen CN230736.

Allele frequency attached by ClinVar (database versions not stated): gnomAD exomes 0.00001 and 0.00004; ExAC 0.00005; ESP Exome Variant Server 0.00008; gnomAD 0.00010 and 0.00011; TOPMed 0.00012; 1000 Genomes Project 0.00060; 1000 Genomes Project 30x 0.00078.
gnomAD v4.1: 37 of 1,614,086 alleles (0.0023%); highest among the groups gnomAD compares: African/African-American, 0.044%; no homozygotes.

Submissions (5):

Labcorp Genetics (formerly Invitae), Labcorp
Classification: Likely benign. Last evaluated: 2026-01-10. Review status: criteria provided, single submitter. Criteria: Invitae Variant Classification Sherloc (09022015). Collection method: clinical testing. Allele origin: germline.

Women's Health and Genetics/Laboratory Corporation of America, LabCorp
Classification: Likely benign. Last evaluated: 2025-11-12. Review status: criteria provided, single submitter. Criteria: LabCorp Variant Classification Summary - May 2015. Collection method: clinical testing. Allele origin: germline.

Molecular Diagnostic Laboratory for Inherited Cardiovascular Disease, Montreal Heart Institute
Classification: Likely benign. Last evaluated: 2025-04-09. Review status: criteria provided, single submitter. Criteria: ACMG Guidelines, 2015. Collection method: clinical testing. Allele origin: germline. Affected: no.
Comment: BS1;BP6:BP7

PreventionGenetics, part of Exact Sciences
Classification: Likely benign for ALPK3-related condition. Last evaluated: 2024-11-22. Review status: criteria provided, single submitter. Criteria: ACMG Guidelines, 2015. Collection method: clinical testing. Allele origin: germline.
Comment: This variant is classified as likely benign based on ACMG/AMP sequence variant interpretation guidelines (Richards et al. 2015 PMID: 25741868, with internal and published modifications).

Ambry Genetics
Classification: Likely benign for Cardiovascular phenotype. Last evaluated: 2020-02-11. Review status: criteria provided, single submitter. Criteria: Ambry Variant Classification Scheme 2023. Collection method: clinical testing. Allele origin: germline.

NM_020778.5(ALPK3):c.2529G>A (p.Arg843=)

Gene: ALPK3 (alpha kinase 3; plus strand). Cytogenetic location: 15q25.3.
Variant type: single nucleotide variant.
Coding change: c.2529G>A on transcript NM_020778.5 (MANE Select); coding-DNA position 2529, G replaced by A.
Protein change: p.Arg843=; no amino-acid change (arginine 843 retained).
Molecular consequence: synonymous variant.
Genome position (GRCh38, 1-based): chr15:84,857,267, G>A. VCF-style: chr15-84857267-G-A. GRCh37 (hg19) VCF-style: chr15-85400498-G-A.
Identifiers: ClinVar variation 1452360 (VCV001452360.13), dbSNP rs139767418, ClinGen allele CA7709439.